The following is an entry in ClinVar:

ClinVar aggregate classification (germline): Uncertain significance. Review status: criteria provided, multiple submitters, no conflicts (2 of 4 stars). 2 submissions from 2 submitters: Uncertain significance (2). Last evaluated 2022-04-13.

Conditions:
Reticular dysgenesis. Also called: ALEUKOCYTOSIS; CONGENITAL ALEUKIA; HEMATOPOIETIC HYPOPLASIA, GENERALIZED; RETICULAR DYSGENESIA; SEVERE COMBINED IMMUNODEFICIENCY WITH LEUKOPENIA; DeVaal disease. Identifiers: Orphanet 33355, MedGen C0272167, MONDO:0009973, OMIM 267500.

Allele frequency attached by ClinVar (database versions not stated): gnomAD 0.00015 and 0.00016; ESP Exome Variant Server 0.00031; gnomAD exomes 0.00039 and 0.00040; ExAC 0.00066.
gnomAD v4.1: 637 of 1,614,022 alleles (0.039%); highest among the groups gnomAD compares: Non-Finnish European, 0.047%; 1 homozygote.

Submissions (2):

Fulgent Genetics
Classification: Uncertain significance for Reticular dysgenesis. Last evaluated: 2022-04-13. Review status: criteria provided, single submitter. Criteria: ACMG Guidelines, 2015. Collection method: clinical testing. Allele origin: unknown.

Labcorp Genetics (formerly Invitae), Labcorp
Classification: Uncertain significance for Reticular dysgenesis. Last evaluated: 2022-02-05. Review status: criteria provided, single submitter. Criteria: Invitae Variant Classification Sherloc (09022015). Collection method: clinical testing. Allele origin: germline.
Comment: This variant is present in population databases (rs143825456, gnomAD 0.07%). This sequence change replaces aspartic acid, which is acidic and polar, with asparagine, which is neutral and polar, at codon 211 of the AK2 protein (p.Asp211Asn). This variant has not been reported in the literature in individuals affected with AK2-related conditions. In summary, the available evidence is currently insufficient to determine the role of this variant in disease. Therefore, it has been classified as a Variant of Uncertain Significance. Algorithms developed to predict the effect of missense changes on protein structure and function output the following: SIFT: "Deleterious"; PolyPhen-2: "Benign"; Align-GVGD: "Class C0". The asparagine amino acid residue is found in multiple mammalian species, which suggests that this missense change does not adversely affect protein function. ClinVar contains an entry for this variant (Variation ID: 578484).

NM_001625.4(AK2):c.631G>A (p.Asp211Asn)

Gene: AK2 (adenylate kinase 2; minus strand). Cytogenetic location: 1p35.1.
Variant type: single nucleotide variant.
Coding change: c.631G>A on transcript NM_001625.4 (MANE Select); coding-DNA position 631, G replaced by A.
Protein change: p.Asp211Asn; replaces aspartic acid 211 with asparagine.
Molecular consequence: missense variant. On other transcripts: 3 prime UTR variant (1), non-coding transcript variant (1).
Genome position (GRCh38, 1-based): chr1:33,013,270, C>T on the plus strand (G>A on the coding strand, the complement: AK2 is on the minus strand). VCF-style: chr1-33013270-C-T. GRCh37 (hg19) VCF-style: chr1-33478871-C-T.
Other names: c.607G>A, p.Asp203Asn (NM_001199199.3); c.487G>A, p.Asp163Asn (NM_001319139.3, NM_001319140.2); c.631G>A, p.Asp211Asn (NM_001319141.3, NM_013411.5); c.505G>A, p.Asp169Asn (NM_001319142.3); c.*134G>A (NM_001319143.2); short protein forms D211N, D163N, D169N, D203N.
Identifiers: ClinVar variation 578484 (VCV000578484.12), dbSNP rs143825456, ClinGen allele CA747047.
Genomic context (GRCh38, chr1:33,013,270, plus strand): 5'-TGGCTTTGGAGAAGGCTGCTAGGATGCTTGCGAACACGACATCGGGGGTCTGGGATGCAT[C>T]GATGGCGGAGTGGATCCCCCGTTTCCTGTAGTACTCTATGAGTGGGGTGGTTTGAGTGTG-3'
Protein context (NP_001616.1, residues 201-221): YRKRGIHSAI[Asp211Asn]ASQTPDVVFA